The following is an entry in ClinVar:

ClinVar aggregate classification (germline): Pathogenic (1 of 4 stars; one submission).

Conditions:
Primary ciliary dyskinesia. Also called: Ciliary dyskinesia. Identifiers: Orphanet 244, MedGen C0008780, MONDO:0016575, HP:0012265.

Allele frequency attached by ClinVar (database versions not stated): ESP Exome Variant Server 0.00008.
gnomAD v4.1: 33 of 1,603,914 alleles (0.0021%); highest among the groups gnomAD compares: East Asian, 0.011%; no homozygotes.

Submission:

Labcorp Genetics (formerly Invitae), Labcorp
Classification: Pathogenic for Primary ciliary dyskinesia. Last evaluated: 2025-06-06. Review status: criteria provided, single submitter. Criteria: Invitae Variant Classification Sherloc (09022015). Collection method: clinical testing. Allele origin: germline.
Comment: This sequence change creates a premature translational stop signal (p.Arg488*) in the DNAAF1 gene. It is expected to result in an absent or disrupted protein product. Loss-of-function variants in DNAAF1 are known to be pathogenic (PMID: 19944400, 19944405). This variant is present in population databases (rs375641621, gnomAD 0.006%). This variant has not been reported in the literature in individuals affected with DNAAF1-related conditions. ClinVar contains an entry for this variant (Variation ID: 2137852). Algorithms developed to predict the effect of sequence changes on RNA splicing suggest that this variant may disrupt the consensus splice site. For these reasons, this variant has been classified as Pathogenic.

Literature cited by the submitters: PubMed 19944400; PubMed 19944405.

NM_178452.6(DNAAF1):c.1462C>T (p.Arg488Ter)

Gene: DNAAF1 (dynein axonemal assembly factor 1; plus strand). Cytogenetic location: 16q24.1.
Variant type: single nucleotide variant.
Coding change: c.1462C>T on transcript NM_178452.6 (MANE Select); coding-DNA position 1462, C replaced by T.
Protein change: p.Arg488Ter; replaces arginine 488 with a stop codon.
Molecular consequence: nonsense.
Genome position (GRCh38, 1-based): chr16:84,170,290, C>T. VCF-style: chr16-84170290-C-T. GRCh37 (hg19) VCF-style: chr16-84203896-C-T.
Other names: c.754C>T, p.Arg252Ter (NM_001318756.1); short protein forms R252*, R488*.
Identifiers: ClinVar variation 2137852 (VCV002137852.4), dbSNP rs375641621, ClinGen allele CA285523991.